The following is an entry in ClinVar:

NM_000297.4(PKD2):c.2246del (p.Gly749fs)

Gene: PKD2 (polycystin 2, transient receptor potential cation channel; plus strand). Cytogenetic location: 4q22.1.
Variant type: Deletion.
Coding change: c.2246del on transcript NM_000297.4 (MANE Select); coding-DNA position 2246, one base deleted (G; older notation c.2246delG).
Protein change: p.Gly749fs; shifts the reading frame from glycine 749.
Molecular consequence: frameshift variant. On other transcripts: non-coding transcript variant (1).
Genome position (GRCh38, 1-based): chr4:88,065,767, G deleted; the last of 3 consecutive G bases (chr4:88,065,765-88,065,767); deleting any one gives the same sequence. VCF-style (leftmost placement, unchanged base first): chr4-88065764-AG-A. GRCh37 (hg19) VCF-style: chr4-88986916-AG-A.
Other names: short protein forms G749fs.
Identifiers: ClinVar variation 3767106 (VCV003767106.2).

ClinVar aggregate classification (germline): Pathogenic (1 of 4 stars; one submission).

Conditions:
Polycystic kidney disease 2 (PKD2). Also called: Polycystic Kidney Disease 2, Autosomal Dominant; POLYCYSTIC KIDNEY DISEASE, ADULT, TYPE II; POLYCYSTIC KIDNEY DISEASE 2 WITH OR WITHOUT POLYCYSTIC LIVER DISEASE. Identifiers: MedGen C2751306, MONDO:0013131, OMIM 613095.

Submission:

Juno Genomics, Hangzhou Juno Genomics, Inc
Classification: Pathogenic for Polycystic kidney disease 2. Review status: criteria provided, single submitter. Criteria: ACMG Guidelines, 2015. Collection method: clinical testing. Allele origin: germline. Affected: yes.
Comment: Absent from controls (or at extremely low frequency if recessive) in Genome Aggregation Database, Exome Sequencing Project, 1000 Genomes Project, or Exome Aggregation Consortium.;Null variant in a gene where loss of function (LOF) is a known mechanism of disease.;Patient's phenotype or family history is highly specific for a disease with a single genetic etiology.